The following is an entry in ClinVar:

ClinVar aggregate classification (germline): Pathogenic. Review status: criteria provided, multiple submitters, no conflicts (2 of 4 stars). 12 submissions from 12 submitters: Pathogenic (10). 2 of the submissions do not count toward it. Last evaluated 2025-12-03.

Conditions:
SCN1A-related disorder. Also called: SCN1A-related conditions; SCN1A-related condition; SCN1A-related disorders.
Early-infantile DEE. Also called: Early infantile epileptic encephalopathy; Ohtahara syndrome; Early infantile epileptic encephalopathy with suppression bursts. Identifiers: Orphanet 1934, MedGen C0393706, MONDO:0800491.
Severe myoclonic epilepsy in infancy (DRVT). Also called: DEVELOPMENTAL AND EPILEPTIC ENCEPHALOPATHY 6A; Severe Myoclonic Epilepsy in Infancy (SMEI); SEVERE MYOCLONIC EPILEPSY OF INFANCY; Epileptic encephalopathy, early infantile, 6 (Dravet syndrome); Dravet syndrome. Identifiers: Orphanet 33069, MedGen C0751122, MONDO:0100135, OMIM 607208.
Seizure. Also called: Seizures. Identifiers: MedGen C0036572, HP:0001250.

Submissions (12):

Clinical Genetics Laboratory, Skane University Hospital Lund
Classification: Pathogenic for Seizure. Last evaluated: 2025-12-03. Review status: criteria provided, single submitter. Criteria: ACMG Guidelines, 2015. Collection method: clinical testing. Allele origin: de novo. Inheritance: Autosomal dominant inheritance. Affected: yes.
Comment: PVS1, PS2, PS4, PM2_Supporting

GeneDx
Classification: Pathogenic. Last evaluated: 2025-01-23. Review status: criteria provided, single submitter. Criteria: GeneDx Variant Classification Process June 2021. Collection method: clinical testing. Allele origin: germline. Affected: yes.
Comment: Reported in patients with intractable epilepsy and Dravet syndrome in the published literature (PMID: 21868258, 23195492); Nonsense variant predicted to result in protein truncation or nonsense mediated decay in a gene for which loss of function is a known mechanism of disease; Not observed at significant frequency in large population cohorts (gnomAD); This variant is associated with the following publications: (PMID: 25525159, 29852413, 32090326, 33278787, 21868258, 35074891, 33057194, 35982159, 31864146, 31440721, 36265913, 29778030, 37644014, 29314583, 23195492, 12083760)

Labcorp Genetics (formerly Invitae), Labcorp
Classification: Pathogenic for Early-infantile DEE. Last evaluated: 2024-01-24. Review status: criteria provided, single submitter. Criteria: Invitae Variant Classification Sherloc (09022015). Collection method: clinical testing. Allele origin: germline.
Comment: This sequence change creates a premature translational stop signal (p.Arg865*) in the SCN1A gene. It is expected to result in an absent or disrupted protein product. Loss-of-function variants in SCN1A are known to be pathogenic (PMID: 17347258, 18930999). This variant is not present in population databases (gnomAD no frequency). This premature translational stop signal has been observed in individual(s) with Dravet syndrome, severe myoclonic epilepsy in infancy, and intractable epilepsy (PMID: 12083760, 18076640, 18930999, 21868258, 23195492). This variant is also known as C2560T (R854X). ClinVar contains an entry for this variant (Variation ID: 189844). For these reasons, this variant has been classified as Pathogenic.

Center of Excellence for Medical Genomics, Chulalongkorn University
Classification: Pathogenic for Severe myoclonic epilepsy in infancy. Last evaluated: 2022-10-05. Review status: criteria provided, single submitter. Criteria: ACMG Guidelines, 2015. Collection method: research. Allele origin: germline. Affected: yes.

Unidad de Genómica Garrahan, Hospital de Pediatría Garrahan
Classification: Pathogenic for Severe myoclonic epilepsy in infancy. Last evaluated: 2022-01-01. Review status: criteria provided, single submitter. Criteria: ACMG Guidelines, 2015. Collection method: clinical testing. Allele origin: de novo. Affected: yes. Observed: 1 variant allele.

Blueprint Genetics
Classification: Pathogenic for SCN1A-related disorders. Last evaluated: 2021-12-29. Review status: criteria provided, single submitter. Criteria: ACMG Guidelines, 2015. Collection method: clinical testing. Allele origin: germline. Affected: yes. Observed: 1 variant allele.

Cytogénomique, Hospices Civils de Lyon
Classification: Pathogenic for Seizure. Last evaluated: 2021-12-01. Review status: criteria provided, single submitter. Criteria: ACMG Guidelines, 2015. Collection method: clinical testing. Allele origin: de novo. Inheritance: Sporadic. Affected: yes. Observed: 1 variant allele, 1 heterozygote.
Comment: de novo truncating variant.

Center for Bioinformatics, Peking University
Classification: Pathogenic for Dravet syndrome. Last evaluated: 2014-12-20. Review status: criteria provided, single submitter. Criteria: Xu et al. (Hum Mutat. 2015). Collection method: research. Allele origin: paternal. Affected: yes. Observed: 2 variant alleles. Study: University Clinical Cooperation “985 Project” PKU-2014-1-1.
Comment: Dravet syndrome (DS) probands were recruited from the outpatient and inpatient child neurology units of Peking University First Hospital from 2005 till present. The study was approved by the Ethics Committee of Peking University First Hospital and the Institutional Review Board at Peking University. Participants or their parents provided written informed consent before enrollment. We collected a total of 267 mutations from 255 families with probands diagnosed with DS in China. All probands fulfilled the clinical diagnostic criteria.

Clinical Genetics Service, Universitary Hospital 12 de Octubre
Classification: Pathogenic for Severe myoclonic epilepsy in infancy. Review status: criteria provided, single submitter. Criteria: ACMG Guidelines, 2015. Collection method: clinical testing. Allele origin: germline. Affected: yes.

Lifecell International Pvt. Ltd
Classification: Pathogenic for Severe myoclonic epilepsy in infancy. Review status: criteria provided, single submitter. Criteria: ACMG Guidelines, 2015. Collection method: clinical testing. Allele origin: germline. Inheritance: Autosomal dominant inheritance. Affected: yes. Observed: 1 heterozygote.
Comment: "A heterozygous nonsense variation in exon 18 of the SCN1A gene (c.2593C>T) that results in a stop codon and premature truncation of the protein at codon 865 (p.Arg865Ter) was detected. The observed variant is not reported in gnomAD database and 1000 genome database. The reference base is conserved across the species and in-silico predictions by CADD and Mutation taster are damaging. This variant is a stop gained variant which occurs in an exon of SCN1A upstream of where nonsense mediated decay is predicted to occur. There are 239 downstream pathogenic loss of function variants, with the furthest variant being 1061 residues downstream of this variant. This indicates that the region is critical to protein function. The gene SCN1A has a low rate of benign loss of function variants as indicated by a low upper bound of the observed/expected confidence interval 0.07. The p.Arg865Ter variant is a loss of function variant in the gene SCN1A, which is intolerant of Loss of Function variants, as indicated by the presence of existing pathogenic loss of function variant NP_001159435.1:p.M1I and 452 others. The variant p.Arg865Ter has been previously classified as Pathogenic in ClinVar (Variation ID 189844 as of 2021-04-01) with respect to Severe myoclonic epilepsy in infancy and 2 other conditions with a status of (2 stars) criteria provided, multiple submitters, no conflicts. Based on the above evidence this variant has been classified as pathogenic according to the ACMG guidelines."

PreventionGenetics, part of Exact Sciences
Classification: Pathogenic for SCN1A-related condition. Last evaluated: 2024-06-21. Review status: no assertion criteria provided. Collection method: clinical testing. Allele origin: germline. Not counted in ClinVar's aggregate classification.
Comment: The SCN1A c.2593C>T variant is predicted to result in premature protein termination (p.Arg865*). In the literature, this variant is also referred to as C2560T or R837X using alternative transcripts. This variant has been reported in individuals with Dravet syndrome and other epilepsy phenotypes (see, for example, Ohmori et al. 2002. PubMed ID: 12083760; Lim et al. 2011. PubMed ID: 21868258; E-Table A, Wang et al. 2012. PubMed ID: 23195492; Zhou et al. 2018. PubMed ID: 29314583). It occurred de novo in multiple individuals (Ohmori et al. 2002. PubMed ID: 12083760; Zhou et al. 2018. PubMed ID: 29314583; Wang et al. 2021. PubMed ID: 33278787) and in one family, an unaffected parent was found to be mosaic for this variant (Xu et al. 2015. PubMed ID: 26096185). This variant has not been reported in a large population database, indicating this variant is rare. Nonsense variants in SCN1A are expected to be pathogenic. This variant is interpreted as pathogenic.

Laboratory of Medical Genetics, National & Kapodistrian University of Athens
Classification: Pathogenic for Severe myoclonic epilepsy in infancy. Last evaluated: 2020-02-19. Review status: no assertion criteria provided. Collection method: clinical testing. Allele origin: de novo. Affected: yes. Not counted in ClinVar's aggregate classification.

Literature cited by the submitters: PubMed 17347258 (cited by Labcorp Genetics (formerly Invitae), Labcorp); PubMed 18930999 (cited by Labcorp Genetics (formerly Invitae), Labcorp); PubMed 12083760 (cited by Labcorp Genetics (formerly Invitae), Labcorp); PubMed 18076640 (cited by Labcorp Genetics (formerly Invitae), Labcorp); PubMed 21868258 (cited by Labcorp Genetics (formerly Invitae), Labcorp); PubMed 23195492 (cited by Labcorp Genetics (formerly Invitae), Labcorp); PubMed 26096185 (cited by Center of Excellence for Medical Genomics, Chulalongkorn University); PubMed 29852413 (cited by Center of Excellence for Medical Genomics, Chulalongkorn University and Laboratory of Medical Genetics, National & Kapodistrian University of Athens); DOI 10.1055/s-0044-1786365 (cited by Unidad de Genómica Garrahan, Hospital de Pediatría Garrahan).

NM_001165963.4(SCN1A):c.2593C>T (p.Arg865Ter)

Gene: SCN1A (sodium voltage-gated channel alpha subunit 1; minus strand). Cytogenetic location: 2q24.3.
Variant type: single nucleotide variant.
Coding change: c.2593C>T on transcript NM_001165963.4 (MANE Select); coding-DNA position 2593, C replaced by T.
Protein change: p.Arg865Ter; replaces arginine 865 with a stop codon.
Molecular consequence: nonsense. On other transcripts: non-coding transcript variant (1).
Genome position (GRCh38, 1-based): chr2:166,038,129, G>A on the plus strand (C>T on the coding strand, the complement: SCN1A is on the minus strand). VCF-style: chr2-166038129-G-A. GRCh37 (hg19) VCF-style: chr2-166894639-G-A.
Other names: NP_001159435.1:p.(Arg865Ter); c.2509C>T, p.Arg837Ter (NM_001165964.3, NM_001353957.2, NM_001353958.2); c.2593C>T, p.Arg865Ter (NM_001202435.3, NM_001353948.2); c.2560C>T, p.Arg854Ter (NM_001353949.2, NM_001353950.2, NM_001353951.2 and 2 more transcripts); c.2557C>T, p.Arg853Ter (NM_001353954.2, NM_001353955.2); c.2506C>T, p.Arg836Ter (NM_001353960.2); c.151C>T, p.Arg51Ter (NM_001353961.2); c.2593C>T (NM_001202435.1); short protein forms R854*, R865*, R836*, R837*, R51*, R853*.
Identifiers: ClinVar variation 189844 (VCV000189844.19), dbSNP rs794726697, ClinGen allele CA303091.